The following is an entry in ClinVar:

ClinVar aggregate classification (germline): Uncertain significance (1 of 4 stars; one submission).

Conditions:
Imerslund-Grasbeck syndrome type 1 (IGS1). Also called: Megaloblastic anemia 1, Finnish type; MEGALOBLASTIC ANEMIA, 1; Imerslund-Gräsbeck syndrome 1. Identifiers: MedGen C4016819, MONDO:0100156, OMIM 261100.

gnomAD v4.1: 1 of 1,613,300 alleles (0.000062%); highest among the groups gnomAD compares: Admixed American, 0.0017%; no homozygotes.

Submission:

Laboratorio de Biologia Molecular - Genetica, Hospital de Pediatria Garrahan
Classification: Uncertain significance for Imerslund-Grasbeck syndrome type 1. Last evaluated: 2026-10-01. Review status: criteria provided, single submitter. Criteria: ACMG Guidelines, 2015. Collection method: clinical testing. Allele origin: germline. Affected: yes. Observed: 4 variant alleles.
Comment: This sequence change replaces cysteine, which is neutral and slightly polar, with tyrosine, which is neutral and polar, at codon 817 of the CUBN protein (p.Cys817Tyr). This variant is present in population databases at an extremely low frequency (gnomAD <0.0001%) (PM2_supporting). This variant has not been reported in the literature in individuals affected with CUBN-related conditions. This variant has a REVEL score of 0.61, predicting neither a damaging nor a benign impact on CUBN function. This variant has been detected in a homozygous state in four Argentinean patients (internal data) (PM3). In summary, the available evidence is currently insufficient to determine the role of this variant in disease. Therefore, it has been classified as a Variant of Uncertain Significance.

NM_001081.4(CUBN):c.2450G>A (p.Cys817Tyr)

Gene: CUBN (cubilin; minus strand). Cytogenetic location: 10p13.
Variant type: single nucleotide variant.
Coding change: c.2450G>A on transcript NM_001081.4 (MANE Select); coding-DNA position 2450, G replaced by A.
Protein change: p.Cys817Tyr; replaces cysteine 817 with tyrosine.
Molecular consequence: missense variant.
Genome position (GRCh38, 1-based): chr10:17,071,601, C>T on the plus strand (G>A on the coding strand, the complement: CUBN is on the minus strand). VCF-style: chr10-17071601-C-T. GRCh37 (hg19) VCF-style: chr10-17113600-C-T.
Other names: short protein forms C817Y.
Identifiers: ClinVar variation 5042716 (VCV005042716.1).